The following is an entry in ClinVar:

NM_001256789.3(CACNA1F):c.1495C>T (p.Arg499Cys)

Gene: CACNA1F (calcium voltage-gated channel subunit alpha1 F; minus strand). Cytogenetic location: Xp11.23.
Variant type: single nucleotide variant.
Coding change: c.1495C>T on transcript NM_001256789.3 (MANE Select); coding-DNA position 1495, C replaced by T.
Protein change: p.Arg499Cys; replaces arginine 499 with cysteine.
Molecular consequence: missense variant.
Genome position (GRCh38, 1-based): chrX:49,226,065, G>A on the plus strand (C>T on the coding strand, the complement: CACNA1F is on the minus strand). VCF-style: chrX-49226065-G-A. GRCh37 (hg19) VCF-style: chrX-49082527-G-A.
Other names: c.1333C>T, p.Arg445Cys (NM_001256790.3); c.1528C>T, p.Arg510Cys (NM_005183.4); short protein forms R445C, R499C, R510C.
Identifiers: ClinVar variation 2121240 (VCV002121240.4), dbSNP rs1044834788, ClinGen allele CA329123415.

ClinVar aggregate classification (germline): Uncertain significance (1 of 4 stars; one submission).

gnomAD v4.1: 2 of 1,190,219 alleles (0.00017%); highest among the groups gnomAD compares: East Asian, 0.0061%; no homozygotes.

Submission:

Labcorp Genetics (formerly Invitae), Labcorp
Classification: Uncertain significance. Last evaluated: 2025-09-30. Review status: criteria provided, single submitter. Criteria: Invitae Variant Classification Sherloc (09022015). Collection method: clinical testing. Allele origin: germline.
Comment: This sequence change replaces arginine, which is basic and polar, with cysteine, which is neutral and slightly polar, at codon 510 of the CACNA1F protein (p.Arg510Cys). This variant is not present in population databases (gnomAD no frequency). This variant has not been reported in the literature in individuals affected with CACNA1F-related conditions. ClinVar contains an entry for this variant (Variation ID: 2121240). Invitae Evidence Modeling of protein sequence and biophysical properties (such as structural, functional, and spatial information, amino acid conservation, physicochemical variation, residue mobility, and thermodynamic stability) indicates that this missense variant is not expected to disrupt CACNA1F protein function with a negative predictive value of 80%. In summary, the available evidence is currently insufficient to determine the role of this variant in disease. Therefore, it has been classified as a Variant of Uncertain Significance.